The following is an entry in ClinVar:

NM_001382567.1(STIM1):c.518C>T (p.Thr173Ile)

Gene: STIM1 (stromal interaction molecule 1; plus strand). Cytogenetic location: 11p15.4.
Variant type: single nucleotide variant.
Coding change: c.518C>T on transcript NM_001382567.1 (MANE Select); coding-DNA position 518, C replaced by T.
Protein change: p.Thr173Ile; replaces threonine 173 with isoleucine.
Molecular consequence: missense variant. On other transcripts: non-coding transcript variant (3), intron variant (1).
Genome position (GRCh38, 1-based): chr11:4,059,301, C>T. VCF-style: chr11-4059301-C-T. GRCh37 (hg19) VCF-style: chr11-4080531-C-T.
Other names: c.518C>T, p.Thr173Ile (NM_001277961.3, NM_001277962.2, NM_001382568.1 and 2 more transcripts); c.296C>T, p.Thr99Ile (NM_001382566.1, NM_001382573.1, NM_001382574.1 and 5 more transcripts); c.383C>T, p.Thr128Ile (NM_001382569.1); c.38C>T, p.Thr13Ile (NM_001382571.1); c.29C>T, p.Thr10Ile (NM_001382580.1, NM_001382581.1); c.386-10725C>T (NM_001382570.1); short protein forms T10I, T128I, T13I, T173I, T99I.
Identifiers: ClinVar variation 2922618 (VCV002922618.3), dbSNP rs1322146300, ClinGen allele CA379485728.

ClinVar aggregate classification (germline): Uncertain significance (1 of 4 stars; one submission).

Conditions:
Stormorken syndrome (STRMK). Also called: THROMBOCYTOPATHY, ASPLENIA, AND MIOSIS. Identifiers: Orphanet 3204, MedGen C1861451, MONDO:0008497, OMIM 185070.
Combined immunodeficiency due to STIM1 deficiency. Also called: STIM1 DEFICIENCY; IMMUNODEFICIENCY 10. Identifiers: Orphanet 169090, Orphanet 317430, MedGen C2748557, MONDO:0013008, OMIM 612783.
Myopathy with tubular aggregates (TAM). Also called: Tubular Aggregate Myopathy. Identifiers: Orphanet 2593, MedGen C0410207, MONDO:0008051.

gnomAD v4.1: 1 of 1,614,106 alleles (0.000062%); highest among the groups gnomAD compares: Non-Finnish European, 0.000085%; no homozygotes.

Submission:

Labcorp Genetics (formerly Invitae), Labcorp
Classification: Uncertain significance for Myopathy with tubular aggregates; Combined immunodeficiency due to STIM1 deficiency; Stormorken syndrome. Last evaluated: 2024-01-06. Review status: criteria provided, single submitter. Criteria: Invitae Variant Classification Sherloc (09022015). Collection method: clinical testing. Allele origin: germline.
Comment: This sequence change replaces threonine, which is neutral and polar, with isoleucine, which is neutral and non-polar, at codon 173 of the STIM1 protein (p.Thr173Ile). This variant is not present in population databases (gnomAD no frequency). This variant has not been reported in the literature in individuals affected with STIM1-related conditions. Advanced modeling of protein sequence and biophysical properties (such as structural, functional, and spatial information, amino acid conservation, physicochemical variation, residue mobility, and thermodynamic stability) performed at Invitae indicates that this missense variant is not expected to disrupt STIM1 protein function with a negative predictive value of 80%. In summary, the available evidence is currently insufficient to determine the role of this variant in disease. Therefore, it has been classified as a Variant of Uncertain Significance.